The following is an entry in ClinVar:

ClinVar aggregate classification (germline): Uncertain significance (1 of 4 stars; one submission).

Allele frequency attached by ClinVar (database versions not stated): gnomAD exomes below 0.00001.
gnomAD v4.1: 3 of 1,545,050 alleles (0.00019%); highest among the groups gnomAD compares: South Asian, 0.0023%; no homozygotes.

Submission:

Labcorp Genetics (formerly Invitae), Labcorp
Classification: Uncertain significance. Last evaluated: 2024-10-23. Review status: criteria provided, single submitter. Criteria: Invitae Variant Classification Sherloc (09022015). Collection method: clinical testing. Allele origin: germline.
Comment: This sequence change replaces alanine, which is neutral and non-polar, with threonine, which is neutral and polar, at codon 708 of the APC2 protein (p.Ala708Thr). This variant is not present in population databases (gnomAD no frequency). This variant has not been reported in the literature in individuals affected with APC2-related conditions. ClinVar contains an entry for this variant (Variation ID: 2069411). Invitae Evidence Modeling of protein sequence and biophysical properties (such as structural, functional, and spatial information, amino acid conservation, physicochemical variation, residue mobility, and thermodynamic stability) indicates that this missense variant is expected to disrupt APC2 protein function with a positive predictive value of 80%. In summary, the available evidence is currently insufficient to determine the role of this variant in disease. Therefore, it has been classified as a Variant of Uncertain Significance.

NM_005883.3(APC2):c.2122G>A (p.Ala708Thr)

Gene: APC2 (APC regulator of Wnt signaling pathway 2; plus strand). Cytogenetic location: 19p13.3.
Variant type: single nucleotide variant.
Coding change: c.2122G>A on transcript NM_005883.3 (MANE Select); coding-DNA position 2122, G replaced by A.
Protein change: p.Ala708Thr; replaces alanine 708 with threonine.
Molecular consequence: missense variant.
Genome position (GRCh38, 1-based): chr19:1,465,423, G>A. VCF-style: chr19-1465423-G-A. GRCh37 (hg19) VCF-style: chr19-1465422-G-A.
Other names: c.2119G>A, p.Ala707Thr (NM_001351273.1); short protein forms A707T, A708T.
Identifiers: ClinVar variation 2069411 (VCV002069411.4), dbSNP rs2512512387, ClinGen allele CA403024984.